The following is an entry in ClinVar:

ClinVar aggregate classification (germline): Uncertain significance (1 of 4 stars; one submission).

Conditions:
Developmental and epileptic encephalopathy 94 (DEE94). Also called: Epileptic encephalopathy, childhood-onset; CHD2-Related Neurodevelopmental Disorders. Identifiers: Orphanet 1942, Orphanet 2382, MedGen C3809278, MONDO:0014150, OMIM 615369.

Submission:

Labcorp Genetics (formerly Invitae), Labcorp
Classification: Uncertain significance for Developmental and epileptic encephalopathy 94. Last evaluated: 2024-03-13. Review status: criteria provided, single submitter. Criteria: Invitae Variant Classification Sherloc (09022015). Collection method: clinical testing. Allele origin: germline.
Comment: This sequence change falls in intron 21 of the CHD2 gene. It does not directly change the encoded amino acid sequence of the CHD2 protein. It affects a nucleotide within the consensus splice site. This variant is not present in population databases (gnomAD no frequency). This variant has not been reported in the literature in individuals affected with CHD2-related conditions. Variants that disrupt the consensus splice site are a relatively common cause of aberrant splicing (PMID: 17576681, 9536098). Algorithms developed to predict the effect of sequence changes on RNA splicing suggest that this variant is not likely to affect RNA splicing. In summary, the available evidence is currently insufficient to determine the role of this variant in disease. Therefore, it has been classified as a Variant of Uncertain Significance.

Literature cited by the submitters: PubMed 17576681; PubMed 9536098.

NM_001271.4(CHD2):c.2727+3C>G

Gene: CHD2 (chromodomain helicase DNA binding protein 2; plus strand). Cytogenetic location: 15q26.1.
Variant type: single nucleotide variant.
Coding change: c.2727+3C>G on transcript NM_001271.4 (MANE Select); 3 bases into the intron after coding-DNA position 2727, C replaced by G.
Molecular consequence: intron variant.
Genome position (GRCh38, 1-based): chr15:92,978,386, C>G. VCF-style: chr15-92978386-C-G. GRCh37 (hg19) VCF-style: chr15-93521616-C-G.
Identifiers: ClinVar variation 3645704 (VCV003645704.2).